The following is an entry in ClinVar:

NM_000535.7(PMS2):c.2556C>A (p.His852Gln)

Gene: PMS2 (PMS1 homolog 2, mismatch repair system component; minus strand). Cytogenetic location: 7p22.1.
Variant type: single nucleotide variant.
Coding change: c.2556C>A on transcript NM_000535.7 (MANE Select); coding-DNA position 2556, C replaced by A.
Protein change: p.His852Gln; replaces histidine 852 with glutamine.
Molecular consequence: missense variant. On other transcripts: non-coding transcript variant (1).
Genome position (GRCh38, 1-based): chr7:5,973,432, G>T on the plus strand (C>A on the coding strand, the complement: PMS2 is on the minus strand). VCF-style: chr7-5973432-G-T. GRCh37 (hg19) VCF-style: chr7-6013063-G-T.
Other names: c.2151C>A, p.His717Gln (NM_001322003.2, NM_001322004.2, NM_001322005.2); c.2400C>A, p.His800Gln (NM_001322006.2); c.2238C>A, p.His746Gln (NM_001322007.2, NM_001322008.2); c.2184C>A, p.His728Gln (NM_001322009.2); c.1995C>A, p.His665Gln (NM_001322010.2); c.1623C>A, p.His541Gln (NM_001322011.2, NM_001322012.2); c.1983C>A, p.His661Gln (NM_001322013.2); c.2589C>A, p.His863Gln (NM_001322014.2); and 1 more; short protein forms H717Q, H746Q, H852Q, H749Q, H800Q, H863Q, H541Q, H661Q.
Identifiers: ClinVar variation 1041782 (VCV001041782.9), dbSNP rs1583269042, ClinGen allele CA366734800.
Genomic context (GRCh38, chr7:5,973,432, plus strand): 5'-ACCAATTATTCCATACAGTGACTACGGTCAGTTCTGAGAAATGACACCCAGGTTGGCGAT[G>T]TGTCTCATGGTTGGCCTTCCATGGGGACAGTTCCAGGGGTGGTCCATCTCCCCCATGTGG-3'
Protein context (NP_000526.2, residues 842-862): NCPHGRPTMR[His852Gln]IANLGVISQN

ClinVar aggregate classification (germline): Uncertain significance (1 of 4 stars; one submission).

Conditions:
Hereditary nonpolyposis colorectal neoplasms. Identifiers: MedGen C0009405, MeSH D003123.

Submission:

Labcorp Genetics (formerly Invitae), Labcorp
Classification: Uncertain significance for Hereditary nonpolyposis colorectal neoplasms. Last evaluated: 2020-10-28. Review status: criteria provided, single submitter. Criteria: Invitae Variant Classification Sherloc (09022015). Collection method: clinical testing. Allele origin: germline.
Comment: In summary, the available evidence is currently insufficient to determine the role of this variant in disease. Therefore, it has been classified as a Variant of Uncertain Significance. Algorithms developed to predict the effect of missense changes on protein structure and function are either unavailable or do not agree on the potential impact of this missense change (SIFT: "Deleterious"; PolyPhen-2: "Probably Damaging"; Align-GVGD: "Class C15"). This variant has not been reported in the literature in individuals with PMS2-related conditions. The frequency data for this variant in the population databases (ExAC) is considered unreliable due to the presence of homologous sequence, such as pseudogenes or paralogs, in the genome. This sequence change replaces histidine with glutamine at codon 852 of the PMS2 protein (p.His852Gln). The histidine residue is highly conserved and there is a small physicochemical difference between histidine and glutamine.